The following is an entry in ClinVar:

ClinVar aggregate classification (germline): Uncertain significance (1 of 4 stars; one submission).

Conditions:
Hereditary cancer-predisposing syndrome. Also called: Neoplastic Syndromes, Hereditary; Tumor predisposition; Hereditary Cancer Syndrome; Hereditary neoplastic syndrome. Identifiers: Orphanet 140162, MedGen C0027672, MeSH D009386, MONDO:0015356.

Submission:

Ambry Genetics
Classification: Uncertain significance for Hereditary cancer-predisposing syndrome. Last evaluated: 2020-12-18. Review status: criteria provided, single submitter. Criteria: Ambry Variant Classification Scheme 2023. Collection method: clinical testing. Allele origin: germline.
Comment: The p.P661S variant (also known as c.1981C>T), located in coding exon 5 of the PALB2 gene, results from a C to T substitution at nucleotide position 1981. The proline at codon 661 is replaced by serine, an amino acid with similar properties. This amino acid position is well conserved in available vertebrate species. In addition, this alteration is predicted to be tolerated by in silico analysis. Since supporting evidence is limited at this time, the clinical significance of this alteration remains unclear.

NM_024675.4(PALB2):c.1981C>T (p.Pro661Ser)

Gene: PALB2 (partner and localizer of BRCA2; minus strand). Cytogenetic location: 16p12.2.
Variant type: single nucleotide variant.
Coding change: c.1981C>T on transcript NM_024675.4 (MANE Select); coding-DNA position 1981, C replaced by T.
Protein change: p.Pro661Ser; replaces proline 661 with serine.
Molecular consequence: missense variant.
Genome position (GRCh38, 1-based): chr16:23,630,173, G>A on the plus strand (C>T on the coding strand, the complement: PALB2 is on the minus strand). VCF-style: chr16-23630173-G-A. GRCh37 (hg19) VCF-style: chr16-23641494-G-A.
Other names: c.1921C>T, p.Pro641Ser (NM_001407296.1); c.1981C>T, p.Pro661Ser (NM_001407297.1, NM_001407298.1, NM_001407299.1 and 3 more transcripts); c.1096C>T, p.Pro366Ser (NM_001407304.1, NM_001407305.1, NM_001407306.1 and 5 more transcripts); c.193C>T, p.Pro65Ser (NM_001407312.1, NM_001407313.1); short protein forms P661S, P366S, P641S, P65S.
Identifiers: ClinVar variation 1783817 (VCV001783817.2), dbSNP rs2142384334, ClinGen allele CA395127273.